The following is an entry in ClinVar:

NM_021625.5(TRPV4):c.745C>G (p.Arg249Gly)

Gene: TRPV4 (transient receptor potential cation channel subfamily V member 4; minus strand). Cytogenetic location: 12q24.11.
Variant type: single nucleotide variant.
Coding change: c.745C>G on transcript NM_021625.5 (MANE Select); coding-DNA position 745, C replaced by G.
Protein change: p.Arg249Gly; replaces arginine 249 with glycine.
Molecular consequence: missense variant. On other transcripts: intron variant (2).
Genome position (GRCh38, 1-based): chr12:109,800,726, G>C on the plus strand (C>G on the coding strand, the complement: TRPV4 is on the minus strand). VCF-style: chr12-109800726-G-C. GRCh37 (hg19) VCF-style: chr12-110238531-G-C.
Other names: c.643C>G, p.Arg215Gly (NM_001177431.2); c.745C>G, p.Arg249Gly (NM_147204.3); c.713-1814C>G (NM_001177433.1, NM_001177428.1); short protein forms R215G, R249G.
Identifiers: ClinVar variation 2672315 (VCV002672315.2), dbSNP rs148041016, ClinGen allele CA386655450.
Genomic context (GRCh38, chr12:109,800,726, plus strand): 5'-GGGCCTGGGCGTGGACATCAGCTCCCTGGGCCACGAGAAGTTCCACGTAGTGTTTGCAGC[G>C]ACGCTCAATGGCGATGTGCAGGGCTGTCTGACCTGGGGGCAGGGGACGGTCATCCAGGGT-3'
Protein context (NP_067638.3, residues 239-259): QTALHIAIER[Arg249Gly]CKHYVELLVA

ClinVar aggregate classification (germline): Uncertain significance (1 of 4 stars; one submission).

Conditions:
Charcot-Marie-Tooth disease axonal type 2C (HMSN2C). Also called: CHARCOT-MARIE-TOOTH DISEASE, AXONAL, AUTOSOMAL DOMINANT, TYPE 2C; Charcot-Marie-Tooth Neuropathy Type 2C; Charcot-Marie-Tooth Disease Type 2, TRPV4-Related (CMT2C). Identifiers: Orphanet 99937, MedGen C1853710, MONDO:0011633, OMIM 606071.

Submission:

Center for Human Genetics and Genomic Medicine, Uniklinik Rwth Aachen
Classification: Uncertain significance for Charcot-Marie-Tooth disease axonal type 2C. Last evaluated: 2023-12-11. Review status: criteria provided, single submitter. Criteria: ACMG Guidelines, 2015. Collection method: clinical testing. Allele origin: unknown. Affected: yes. Observed: 1 heterozygote.
Comment: To date, this variant is not listed in population databases (gnomAD v2.1.1) and has not been reported in the literature in individuals with TRPV4-related conditions. Algorithms developed to predict the effect of missense changes on protein structure and function do not agree on the potential impact of this missense change (SIFT: "Tolerated"; PolyPhen-2: "Probably Damaging"; Align-GVGD: "Class C0"; MutationTaster (v2021): "Deleterious"). Based on this evidence, the clinical significance of this alteration remains unclear.